The following is an entry in ClinVar:

ClinVar aggregate classification (germline): Uncertain significance (1 of 4 stars; one submission).

Submission:

Labcorp Genetics (formerly Invitae), Labcorp
Classification: Uncertain significance. Last evaluated: 2023-05-08. Review status: criteria provided, single submitter. Criteria: Invitae Variant Classification Sherloc (09022015). Collection method: clinical testing. Allele origin: germline.
Comment: In summary, the available evidence is currently insufficient to determine the role of this variant in disease. Therefore, it has been classified as a Variant of Uncertain Significance. An algorithm developed to predict the effect of missense changes on protein structure and function (PolyPhen-2) suggests that this variant is likely to be disruptive. ClinVar contains an entry for this variant (Variation ID: 2042522). This variant has not been reported in the literature in individuals affected with TOPORS-related conditions. This variant is not present in population databases (gnomAD no frequency). This sequence change replaces asparagine, which is neutral and polar, with serine, which is neutral and polar, at codon 316 of the TOPORS protein (p.Asn316Ser).

NM_005802.5(TOPORS):c.947A>G (p.Asn316Ser)

Gene: TOPORS (TOP1 binding arginine/serine rich protein, E3 ubiquitin ligase; minus strand). Cytogenetic location: 9p21.1.
Variant type: single nucleotide variant.
Coding change: c.947A>G on transcript NM_005802.5 (MANE Select); coding-DNA position 947, A replaced by G.
Protein change: p.Asn316Ser; replaces asparagine 316 with serine.
Molecular consequence: missense variant.
Genome position (GRCh38, 1-based): chr9:32,543,578, T>C on the plus strand (A>G on the coding strand, the complement: TOPORS is on the minus strand). VCF-style: chr9-32543578-T-C. GRCh37 (hg19) VCF-style: chr9-32543576-T-C.
Other names: c.752A>G, p.Asn251Ser (NM_001195622.2); short protein forms N316S, N251S.
Identifiers: ClinVar variation 2042522 (VCV002042522.4), dbSNP rs2489452855, ClinGen allele CA373171535.